The following is an entry in ClinVar:

ClinVar aggregate classification (germline): Uncertain significance (1 of 4 stars; one submission).

Conditions:
PIEZO1-related disorder. Also called: PIEZO1-related condition; PIEZO1-Related Disorders.

Submission:

PreventionGenetics, part of Exact Sciences
Classification: Uncertain significance for PIEZO1-related condition. Last evaluated: 2025-04-11. Review status: criteria provided, single submitter. Criteria: ACMG Guidelines, 2015. Collection method: clinical testing. Allele origin: germline.
Comment: The PIEZO1 c.7508T>G variant is predicted to result in the amino acid substitution p.Leu2503Arg. To our knowledge, this variant has not been reported in the literature or in a large population database (gnomAD), indicating this variant is rare. At this time, the clinical significance of this variant is uncertain due to the absence of conclusive functional and genetic evidence.

NM_001142864.4(PIEZO1):c.7508T>G (p.Leu2503Arg)

Gene: PIEZO1 (piezo type mechanosensitive ion channel component 1 (Er blood group); minus strand). Cytogenetic location: 16q24.3.
Variant type: single nucleotide variant.
Coding change: c.7508T>G on transcript NM_001142864.4 (MANE Select); coding-DNA position 7508, T replaced by G.
Protein change: p.Leu2503Arg; replaces leucine 2503 with arginine.
Molecular consequence: missense variant.
Genome position (GRCh38, 1-based): chr16:88,715,663, A>C on the plus strand (T>G on the coding strand, the complement: PIEZO1 is on the minus strand). VCF-style: chr16-88715663-A-C. GRCh37 (hg19) VCF-style: chr16-88782071-A-C.
Other names: short protein forms L2503R.
Identifiers: ClinVar variation 4984088 (VCV004984088.1).
Genomic context (GRCh38, chr16:88,715,663, plus strand): 5'-TCCTACTCCTTCTCACGAGTCCACTTGATCATGGTCTCCGGTGAGCGGTAGAGGAAGATG[A>C]GCTTGGCGTACAACTCCTCCTCCAGCTCCAGCTCCCGAGTCTCCCGCACCAGGAAGATGT-3'
Protein context (NP_001136336.2, residues 2493-2513): LELEEELYAK[Leu2503Arg]IFLYRSPETM